The following is an entry in ClinVar:

NM_001256071.3(RNF213):c.4086C>G (p.Val1362=)

Gene: RNF213 (ring finger protein 213; plus strand). Cytogenetic location: 17q25.3.
Variant type: single nucleotide variant.
Coding change: c.4086C>G on transcript NM_001256071.3 (MANE Select); coding-DNA position 4086, C replaced by G.
Protein change: p.Val1362=; no amino-acid change (valine 1362 retained).
Molecular consequence: synonymous variant.
Genome position (GRCh38, 1-based): chr17:80,332,574, C>G. VCF-style: chr17-80332574-C-G. GRCh37 (hg19) VCF-style: chr17-78306374-C-G.
Other names: c.4233C>G, p.Val1411= (NM_001410195.1, NM_020914.5).
Identifiers: ClinVar variation 4695381 (VCV004695381.1).
Genomic context (GRCh38, chr17:80,332,574, plus strand): 5'-GATCAAGGAATACCATCACCTGCACCAGGCTGTCCACGCAGCCAAGGTCATCTTGCAGGT[C>G]AAAGAGAGCCTGGGACTGAACGGTGACTTCAGTGTTCTCAACACTTTACTAAATTTTGTA-3'
Protein context (NP_001243000.2, residues 1352-1372): AVHAAKVILQ[Val1362=]KESLGLNGDF

ClinVar aggregate classification (germline): Uncertain significance (1 of 4 stars; one submission).

gnomAD v4.1: 14 of 1,532,976 alleles (0.00091%); highest among the groups gnomAD compares: Non-Finnish European, 0.0012%; no homozygotes.

Submission:

Labcorp Genetics (formerly Invitae), Labcorp
Classification: Uncertain significance. Last evaluated: 2025-11-23. Review status: criteria provided, single submitter. Criteria: Invitae Variant Classification Sherloc (09022015). Collection method: clinical testing. Allele origin: germline.
Comment: This sequence change affects codon 1362 of the RNF213 mRNA. It is a 'silent' change, meaning that it does not change the encoded amino acid sequence of the RNF213 protein. This variant is present in population databases (no rsID available, gnomAD 0.003%). This variant has not been reported in the literature in individuals affected with RNF213-related conditions. Algorithms developed to predict the effect of sequence changes on RNA splicing suggest that this variant may create or strengthen a splice site. In summary, the available evidence is currently insufficient to determine the role of this variant in disease. Therefore, it has been classified as a Variant of Uncertain Significance.